The following is an entry in ClinVar:

ClinVar aggregate classification (germline): Uncertain significance. Review status: criteria provided, multiple submitters, no conflicts (2 of 4 stars). 2 submissions from 2 submitters: Uncertain significance (2). Last evaluated 2026-01-05.

Conditions:
Jaberi-Elahi syndrome. Also called: NEURODEVELOPMENTAL DISORDER WITH CHARACTERISTIC FACIAL AND ECTODERMAL FEATURES AND TETRAPARESIS 2. Identifiers: MedGen C4693848, MONDO:0060711, OMIM 617988.

Allele frequency attached by ClinVar (database versions not stated): gnomAD exomes 0.00001.
gnomAD v4.1: 14 of 1,614,230 alleles (0.00087%); highest among the groups gnomAD compares: East Asian, 0.0022%; no homozygotes.

Submissions (2):

Labcorp Genetics (formerly Invitae), Labcorp
Classification: Uncertain significance. Last evaluated: 2026-01-05. Review status: criteria provided, single submitter. Criteria: Invitae Variant Classification Sherloc (09022015). Collection method: clinical testing. Allele origin: germline.
Comment: This sequence change replaces valine, which is neutral and non-polar, with leucine, which is neutral and non-polar, at codon 537 of the GTPBP2 protein (p.Val537Leu). This variant is present in population databases (no rsID available, gnomAD 0.0009%). This variant has not been reported in the literature in individuals affected with GTPBP2-related conditions. ClinVar contains an entry for this variant (Variation ID: 1957807). An algorithm developed to predict the effect of missense changes on protein structure and function (PolyPhen-2) suggests that this variant is likely to be tolerated. In summary, the available evidence is currently insufficient to determine the role of this variant in disease. Therefore, it has been classified as a Variant of Uncertain Significance.

Fulgent Genetics
Classification: Uncertain significance for Jaberi-Elahi syndrome. Last evaluated: 2024-05-14. Review status: criteria provided, single submitter. Criteria: ACMG Guidelines, 2015. Collection method: clinical testing. Allele origin: germline.

NM_019096.5(GTPBP2):c.1609G>C (p.Val537Leu)

Gene: GTPBP2 (GTP binding protein 2; minus strand). Cytogenetic location: 6p21.1.
Variant type: single nucleotide variant.
Coding change: c.1609G>C on transcript NM_019096.5 (MANE Select); coding-DNA position 1609, G replaced by C.
Protein change: p.Val537Leu; replaces valine 537 with leucine.
Molecular consequence: missense variant.
Genome position (GRCh38, 1-based): chr6:43,622,026, C>G on the plus strand (G>C on the coding strand, the complement: GTPBP2 is on the minus strand). VCF-style: chr6-43622026-C-G. GRCh37 (hg19) VCF-style: chr6-43589763-C-G.
Other names: c.1345G>C, p.Val449Leu (NM_001286216.2); short protein forms V537L, V449L.
Identifiers: ClinVar variation 1957807 (VCV001957807.6), dbSNP rs1228382909, ClinGen allele CA364273252.